The following is an entry in ClinVar:

ClinVar aggregate classification (germline): Likely benign (0 of 4 stars; one submission).

Conditions:
ALPK1-related disorder. Also called: ALPK1-related condition.

Allele frequency attached by ClinVar (database versions not stated): gnomAD exomes below 0.00001.
gnomAD v4.1: 1 of 1,610,414 alleles (0.000062%); highest among the groups gnomAD compares: Non-Finnish European, 0.000085%; no homozygotes.

Submission:

PreventionGenetics, part of Exact Sciences
Classification: Likely benign for ALPK1-related condition. Last evaluated: 2023-10-12. Review status: no assertion criteria provided. Collection method: clinical testing. Allele origin: germline.
Comment: This variant is classified as likely benign based on ACMG/AMP sequence variant interpretation guidelines (Richards et al. 2015 PMID: 25741868, with internal and published modifications).

NM_025144.4(ALPK1):c.786A>G (p.Gln262=)

Gene: ALPK1 (alpha kinase 1; plus strand). Cytogenetic location: 4q25.
Variant type: single nucleotide variant.
Coding change: c.786A>G on transcript NM_025144.4 (MANE Select); coding-DNA position 786, A replaced by G.
Protein change: p.Gln262=; no amino-acid change (glutamine 262 retained).
Molecular consequence: synonymous variant.
Genome position (GRCh38, 1-based): chr4:112,427,656, A>G. VCF-style: chr4-112427656-A-G. GRCh37 (hg19) VCF-style: chr4-113348812-A-G.
Other names: c.786A>G, p.Gln262= (NM_001102406.2); c.552A>G, p.Gln184= (NM_001253884.2).
Identifiers: ClinVar variation 3044405 (VCV003044405.2), dbSNP rs2476496673, ClinGen allele CA440825205.